The following is an entry in ClinVar:

NC_012920.1(MT-ND4):m.11177C>T

Gene: MT-ND4 (mitochondrially encoded NADH dehydrogenase 4; plus strand).
Variant type: single nucleotide variant.
Genome position: chrM-11177-C-T.
Identifiers: ClinVar variation 693351 (VCV000693351.1), dbSNP rs28358284, ClinGen allele CA337099111.

ClinVar aggregate classification (germline): Benign (1 of 4 stars; one submission).

Conditions:
Leigh syndrome (NULS). Also called: Leigh's necrotizing encephalopathy; Leigh's disease; Leigh Syndrome (mtDNA deletion); Leigh Disease; Subacute necrotizing encephalopathy; Necrotizing encephalopathy infantile subacute of Leigh. Identifiers: Orphanet 506, MedGen C2931891, MONDO:0009723, OMIM 256000.

Submission:

Wong Mito Lab, Molecular and Human Genetics, Baylor College of Medicine
Classification: Benign for Leigh syndrome. Last evaluated: 2019-10-17. Review status: criteria provided, single submitter. Criteria: Modified ACMG Guidelines (Unpublished). Collection method: clinical testing. Allele origin: germline.
Comment: The NC_012920.1:m.11177C>T (YP_003024035.1:p.Pro140Ser) variant in MTND4 gene is interpretated to be a Benign variant based on the modified ACMG guidelines (unpublished). This variant meets the following evidence codes: BA1